The following is an entry in ClinVar:

NM_000186.4(CFH):c.2876G>A (p.Cys959Tyr)

Gene: CFH (complement factor H; plus strand). Cytogenetic location: 1q31.3.
Variant type: single nucleotide variant.
Coding change: c.2876G>A on transcript NM_000186.4 (MANE Select); coding-DNA position 2876, G replaced by A.
Protein change: p.Cys959Tyr; replaces cysteine 959 with tyrosine.
Molecular consequence: missense variant.
Genome position (GRCh38, 1-based): chr1:196,740,712, G>A. VCF-style: chr1-196740712-G-A. GRCh37 (hg19) VCF-style: chr1-196709842-G-A.
Other names: short protein forms C959Y.
Identifiers: ClinVar variation 16544 (VCV000016544.5), dbSNP rs121913053, ClinGen allele CA257496.

ClinVar aggregate classification (germline): Uncertain significance. Review status: criteria provided, multiple submitters, no conflicts (2 of 4 stars). 3 submissions from 3 submitters: Uncertain significance (2). 1 of the submissions does not count toward it. Last evaluated 2025-10-02.

Conditions:
Factor H deficiency (CFHD). Also called: CFH DEFICIENCY; COMPLEMENT FACTOR H DEFICIENCY. Identifiers: Orphanet 200421, MedGen C0398777, MONDO:0012350, OMIM 609814.

Submissions (3):

Genomenon, Inc
Classification: Uncertain significance for Factor H deficiency. Last evaluated: 2025-10-02. Review status: criteria provided, single submitter. Criteria: Genomenon Sequence Variant Interpretation Standards - Updated. Collection method: curation. Allele origin: germline. Affected: yes.
Comment: CFH p.Cys959Tyr (c.2876G>A) is a missense variant that changes the amino acid at residue 959 from Cysteine to Tyrosine. This variant has been observed in at least one proband affected with complement factor H deficiency (PMID:9312129). Functional studies have been reported (PMID:10206995). It is absent or not present at a significant frequency in gnomAD. In silico models agree that this variant is possibly or probably damaging. In conclusion, we classify CFH p.Cys959Tyr (c.2876G>A) as a variant of uncertain significance.

Labcorp Genetics (formerly Invitae), Labcorp
Classification: Uncertain significance. Last evaluated: 2025-03-18. Review status: criteria provided, single submitter. Criteria: Invitae Variant Classification Sherloc (09022015). Collection method: clinical testing. Allele origin: germline.
Comment: This sequence change replaces cysteine, which is neutral and slightly polar, with tyrosine, which is neutral and polar, at codon 959 of the CFH protein (p.Cys959Tyr). This variant is not present in population databases (gnomAD no frequency). This missense change has been observed in individual(s) with complement factor H deficiency (PMID: 9312129). This variant is also known as G2949A (Cys941Tyr). ClinVar contains an entry for this variant (Variation ID: 16544). An algorithm developed to predict the effect of missense changes on protein structure and function (PolyPhen-2) suggests that this variant is likely to be disruptive. Experimental studies have shown that this missense change affects CFH function (PMID: 10206995). In summary, the available evidence is currently insufficient to determine the role of this variant in disease. Therefore, it has been classified as a Variant of Uncertain Significance.

OMIM
Classification: Pathogenic for COMPLEMENT FACTOR H DEFICIENCY. Last evaluated: 2019-06-11. Review status: no assertion criteria provided. Collection method: literature only. Allele origin: germline. Not counted in ClinVar's aggregate classification.

Literature cited by the submitters: PubMed 9312129 (cited by Genomenon, Inc and Labcorp Genetics (formerly Invitae), Labcorp); PubMed 10206995 (cited by Genomenon, Inc and Labcorp Genetics (formerly Invitae), Labcorp); PubMed 10975323 (cited by OMIM).